The following is an entry in ClinVar:

ClinVar aggregate classification (germline): Likely pathogenic (1 of 4 stars; one submission).

Conditions:
Marfan Syndrome/Loeys-Dietz Syndrome/Familial Thoracic Aortic Aneurysms and Dissections. Identifiers: MedGen CN229799.

Submission:

Women's Health and Genetics/Laboratory Corporation of America, LabCorp
Classification: Likely pathogenic for Marfan Syndrome/Loeys-Dietz Syndrome/Familial Thoracic Aortic Aneurysms and Dissections. Last evaluated: 2020-06-29. Review status: criteria provided, single submitter. Criteria: LabCorp Variant Classification Summary - May 2015. Collection method: clinical testing. Allele origin: germline.
Comment: Variant summary: FBN1 c.4155delA (p.Ser1386LeufsX27) results in a premature termination codon, predicted to cause a truncation of the encoded protein or absence of the protein due to nonsense mediated decay, which are commonly known mechanisms for disease. The variant was absent in 251324 control chromosomes (gnomAD). To our knowledge, no occurrence of c.4155delA in individuals affected with Marfan Syndrome and no experimental evidence demonstrating its impact on protein function have been reported. No clinical diagnostic laboratories have submitted clinical-significance assessments for this variant to ClinVar after 2014. Based on the evidence outlined above, the variant was classified as likely pathogenic.

NM_000138.5(FBN1):c.4155del (p.Ser1386fs)

Gene: FBN1 (fibrillin 1; minus strand). Cytogenetic location: 15q21.1.
Variant type: Deletion.
Coding change: c.4155del on transcript NM_000138.5 (MANE Select); coding-DNA position 4155, one base deleted (A; older notation c.4155delA).
Protein change: p.Ser1386fs; shifts the reading frame from serine 1386.
Molecular consequence: frameshift variant.
Genome position (GRCh38, 1-based): chr15:48,474,310, T deleted on the plus strand (A on the coding strand, the reverse complement: FBN1 is on the minus strand). VCF-style (leftmost placement, unchanged base first): chr15-48474309-AT-A. GRCh37 (hg19) VCF-style: chr15-48766506-AT-A.
Other names: short protein forms S1386fs.
Identifiers: ClinVar variation 933201 (VCV000933201.1), dbSNP rs2043402071, ClinGen allele CA1139663888.
Genomic context (GRCh38, chr15:48,474,309, plus strand): 5'-ACATACCTGTACAAGTGAAGCCATCACCTGTGTATCCTTCCTTGCACAGACAGCGGTAAG[AT>A]CCCATGGTATTCTTGCAGTCTGCATGCTGGCTGCACATATGGGTTCCATTGGAACATTCG-3'